The following is an entry in ClinVar:

NM_000168.6(GLI3):c.272A>G (p.His91Arg)

Gene: GLI3 (GLI family zinc finger 3; minus strand). Cytogenetic location: 7p14.1.
Variant type: single nucleotide variant.
Coding change: c.272A>G on transcript NM_000168.6 (MANE Select); coding-DNA position 272, A replaced by G.
Protein change: p.His91Arg; replaces histidine 91 with arginine.
Molecular consequence: missense variant.
Genome position (GRCh38, 1-based): chr7:42,148,321, T>C on the plus strand (A>G on the coding strand, the complement: GLI3 is on the minus strand). VCF-style: chr7-42148321-T-C. GRCh37 (hg19) VCF-style: chr7-42187920-T-C.
Other names: short protein forms H91R.
Identifiers: ClinVar variation 579364 (VCV000579364.2), dbSNP rs768107926, ClinGen allele CA4231264.

ClinVar aggregate classification (germline): Uncertain significance. Review status: criteria provided, single submitter (1 of 4 stars). 2 submissions from 2 submitters: Uncertain significance (1). 1 of the submissions does not count toward it. Last evaluated 2018-05-23.

Conditions:
GLI3-related disorder. Also called: GLI3-related condition; GLI3-related disorders. Identifiers: MedGen CN239292.
Greig cephalopolysyndactyly syndrome (GCPS). Also called: Greig syndrome; POLYSYNDACTYLY WITH PECULIAR SKULL SHAPE; GLI3-Related Greig Cephalopolysyndactyly Syndrome. Identifiers: Orphanet 380, MedGen C0265306, MONDO:0008287, OMIM 175700.
Pallister-Hall syndrome (PHS). Also called: GLI3-Related Pallister-Hall Syndrome; HYPOTHALAMIC HAMARTOBLASTOMA, HYPOPITUITARISM, IMPERFORATE ANUS, AND POSTAXIAL POLYDACTYLY. Identifiers: Orphanet 672, MedGen C0265220, MONDO:0007804, OMIM 146510.

Allele frequency attached by ClinVar (database versions not stated): TOPMed below 0.00001; ExAC 0.00004; gnomAD 0.00006; gnomAD exomes 0.00006 and 0.00008.
gnomAD v4.1: 93 of 1,613,560 alleles (0.0058%); highest among the groups gnomAD compares: Non-Finnish European, 0.0034%; no homozygotes.

Submissions (2):

Labcorp Genetics (formerly Invitae), Labcorp
Classification: Uncertain significance for Pallister-Hall syndrome; Greig cephalopolysyndactyly syndrome. Last evaluated: 2018-05-23. Review status: criteria provided, single submitter. Criteria: Invitae Variant Classification Sherloc (09022015). Collection method: clinical testing. Allele origin: germline.
Comment: This sequence change replaces histidine with arginine at codon 91 of the GLI3 protein (p.His91Arg). The histidine residue is highly conserved and there is a small physicochemical difference between histidine and arginine. This variant is present in population databases (rs768107926, ExAC 0.05%). This variant has not been reported in the literature in individuals with GLI3-related disease. Algorithms developed to predict the effect of missense changes on protein structure and function are either unavailable or do not agree on the potential impact of this missense change (SIFT: "Deleterious"; PolyPhen-2: "Probably Damaging"; Align-GVGD: "Class C0"). Algorithms developed to predict the effect of sequence changes on RNA splicing suggest that this variant may create or strengthen a splice site, but this prediction has not been confirmed by published transcriptional studies. In summary, the available evidence is currently insufficient to determine the role of this variant in disease. Therefore, it has been classified as a Variant of Uncertain Significance.

PreventionGenetics, part of Exact Sciences
Classification: Likely benign for GLI3-related condition. Last evaluated: 2024-09-05. Review status: no assertion criteria provided. Collection method: clinical testing. Allele origin: germline. Not counted in ClinVar's aggregate classification.
Comment: This variant is classified as likely benign based on ACMG/AMP sequence variant interpretation guidelines (Richards et al. 2015 PMID: 25741868, with internal and published modifications).